The following is an entry in ClinVar:

NM_001379291.1(BRD4):c.1322C>T (p.Ala441Val)

Gene: BRD4 (bromodomain containing 4; minus strand). Cytogenetic location: 19p13.12.
Variant type: single nucleotide variant.
Coding change: c.1322C>T on transcript NM_001379291.1 (MANE Select); coding-DNA position 1322, C replaced by T.
Protein change: p.Ala441Val; replaces alanine 441 with valine.
Molecular consequence: missense variant.
Genome position (GRCh38, 1-based): chr19:15,263,439, G>A on the plus strand (C>T on the coding strand, the complement: BRD4 is on the minus strand). VCF-style: chr19-15263439-G-A. GRCh37 (hg19) VCF-style: chr19-15374250-G-A.
Other names: c.1322C>T, p.Ala441Val (NM_001330384.2, NM_001379292.1, NM_014299.3 and 1 more transcripts); short protein forms A441V.
Identifiers: ClinVar variation 2106695 (VCV002106695.4), dbSNP rs779993356, ClinGen allele CA9265411.

ClinVar aggregate classification (germline): Uncertain significance (1 of 4 stars; one submission).

Allele frequency attached by ClinVar (database versions not stated): gnomAD exomes below 0.00001; ExAC 0.00001; TOPMed 0.00001; gnomAD 0.00002.
gnomAD v4.1: 5 of 1,614,052 alleles (0.00031%); highest among the groups gnomAD compares: African/African-American, 0.0053%; no homozygotes.

Submission:

Labcorp Genetics (formerly Invitae), Labcorp
Classification: Uncertain significance. Last evaluated: 2022-03-09. Review status: criteria provided, single submitter. Criteria: Invitae Variant Classification Sherloc (09022015). Collection method: clinical testing. Allele origin: germline.
Comment: In summary, the available evidence is currently insufficient to determine the role of this variant in disease. Therefore, it has been classified as a Variant of Uncertain Significance. Algorithms developed to predict the effect of missense changes on protein structure and function (SIFT, PolyPhen-2, Align-GVGD) all suggest that this variant is likely to be disruptive. This variant has not been reported in the literature in individuals affected with BRD4-related conditions. This variant is present in population databases (rs779993356, gnomAD 0.007%). This sequence change replaces alanine, which is neutral and non-polar, with valine, which is neutral and non-polar, at codon 441 of the BRD4 protein (p.Ala441Val).